The following is an entry in ClinVar:

ClinVar aggregate classification (germline): Uncertain significance. Review status: criteria provided, multiple submitters, no conflicts (2 of 4 stars). 2 submissions from 2 submitters: Uncertain significance (2). Last evaluated 2025-05-20.

Allele frequency attached by ClinVar (database versions not stated): ExAC 0.00002; gnomAD 0.00005.
gnomAD v4.1: 17 of 1,611,458 alleles (0.0011%); highest among the groups gnomAD compares: Admixed American, 0.025%; no homozygotes.

Submissions (2):

Ambry Genetics
Classification: Uncertain significance. Last evaluated: 2025-05-20. Review status: criteria provided, single submitter. Criteria: Ambry Variant Classification Scheme 2023. Collection method: clinical testing. Allele origin: germline.

Labcorp Genetics (formerly Invitae), Labcorp
Classification: Uncertain significance. Last evaluated: 2023-10-20. Review status: criteria provided, single submitter. Criteria: Invitae Variant Classification Sherloc (09022015). Collection method: clinical testing. Allele origin: germline.
Comment: This sequence change replaces arginine, which is basic and polar, with proline, which is neutral and non-polar, at codon 75 of the CASZ1 protein (p.Arg75Pro). This variant is present in population databases (rs113664073, gnomAD 0.01%). This variant has not been reported in the literature in individuals affected with CASZ1-related conditions. ClinVar contains an entry for this variant (Variation ID: 2459197). An algorithm developed to predict the effect of missense changes on protein structure and function (PolyPhen-2) suggests that this variant is likely to be tolerated. In summary, the available evidence is currently insufficient to determine the role of this variant in disease. Therefore, it has been classified as a Variant of Uncertain Significance.

NM_001079843.3(CASZ1):c.224G>C (p.Arg75Pro)

Gene: CASZ1 (castor zinc finger 1; minus strand). Cytogenetic location: 1p36.22.
Variant type: single nucleotide variant.
Coding change: c.224G>C on transcript NM_001079843.3 (MANE Select); coding-DNA position 224, G replaced by C.
Protein change: p.Arg75Pro; replaces arginine 75 with proline.
Molecular consequence: missense variant.
Genome position (GRCh38, 1-based): chr1:10,665,364, C>G on the plus strand (G>C on the coding strand, the complement: CASZ1 is on the minus strand). VCF-style: chr1-10665364-C-G. GRCh37 (hg19) VCF-style: chr1-10725421-C-G.
Other names: c.224G>C, p.Arg75Pro (NM_017766.5); short protein forms R75P.
Identifiers: ClinVar variation 2459197 (VCV002459197.6), dbSNP rs113664073, ClinGen allele CA585504.